The following is an entry in ClinVar:

ClinVar aggregate classification (germline): Benign (0 of 4 stars; one submission).

Conditions:
KDM3A-related disorder. Also called: KDM3A-related condition.

Allele frequency attached by ClinVar (database versions not stated): gnomAD 0.00035; TOPMed 0.00036; gnomAD exomes 0.00037; ExAC 0.00066; 1000 Genomes Project 30x 0.00172; 1000 Genomes Project 0.00220.
gnomAD v4.1: 582 of 1,610,606 alleles (0.036%); highest among the groups gnomAD compares: East Asian, 1.2%; 3 homozygotes.

Submission:

PreventionGenetics, part of Exact Sciences
Classification: Benign for KDM3A-related condition. Last evaluated: 2019-11-13. Review status: no assertion criteria provided. Collection method: clinical testing. Allele origin: germline.
Comment: This variant is classified as benign based on ACMG/AMP sequence variant interpretation guidelines (Richards et al. 2015 PMID: 25741868, with internal and published modifications).

NM_018433.6(KDM3A):c.3561A>G (p.Glu1187=)

Gene: KDM3A (lysine demethylase 3A; plus strand). Cytogenetic location: 2p11.2.
Variant type: single nucleotide variant.
Coding change: c.3561A>G on transcript NM_018433.6 (MANE Select); coding-DNA position 3561, A replaced by G.
Protein change: p.Glu1187=; no amino-acid change (glutamic acid 1187 retained).
Molecular consequence: synonymous variant.
Genome position (GRCh38, 1-based): chr2:86,489,647, A>G. VCF-style: chr2-86489647-A-G. GRCh37 (hg19) VCF-style: chr2-86716770-A-G.
Other names: c.3561A>G, p.Glu1187= (NM_001146688.2).
Identifiers: ClinVar variation 3045535 (VCV003045535.2), dbSNP rs76610646, ClinGen allele CA1749951.